The following is an entry in ClinVar:

ClinVar aggregate classification (germline): Pathogenic. Review status: criteria provided, single submitter (1 of 4 stars). 3 submissions from 2 submitters: Pathogenic (1). 2 of the submissions do not count toward it. Last evaluated 2024-01-31.

Conditions:
Thrombocytopenia 9 (THC9). Also called: THROMBOCYTOPENIA, AUTOSOMAL DOMINANT, 9. Identifiers: MedGen C5882678, MONDO:0957572, OMIM 620478.
Amegakaryocytic thrombocytopenia, congenital, 2 (CAMT2). Identifiers: MedGen C5882679, MONDO:0957575, OMIM 620481.

gnomAD v4.1: 12 of 1,614,116 alleles (0.00074%); highest among the groups gnomAD compares: East Asian, 0.0022%; no homozygotes.

Submissions (3):

Labcorp Genetics (formerly Invitae), Labcorp
Classification: Pathogenic. Last evaluated: 2024-01-31. Review status: criteria provided, single submitter. Criteria: Invitae Variant Classification Sherloc (09022015). Collection method: clinical testing. Allele origin: germline.
Comment: This sequence change replaces arginine, which is basic and polar, with tryptophan, which is neutral and slightly polar, at codon 99 of the THPO protein (p.Arg99Trp). This variant is present in population databases (no rsID available, gnomAD 0.0009%). This missense change has been observed in individual(s) with aplastic anemia and/or thrombocytopenia (PMID: 28559357, 32150607; Invitae). It has also been observed to segregate with disease in related individuals. ClinVar contains an entry for this variant (Variation ID: 2070998). Advanced modeling of protein sequence and biophysical properties (such as structural, functional, and spatial information, amino acid conservation, physicochemical variation, residue mobility, and thermodynamic stability) has been performed at Invitae for this missense variant, however the output from this modeling did not meet the statistical confidence thresholds required to predict the impact of this variant on THPO protein function. Experimental studies have shown that this missense change affects THPO function (PMID: 32150607). For these reasons, this variant has been classified as Pathogenic.

OMIM
Classification: Pathogenic for THROMBOCYTOPENIA 9. Last evaluated: 2025-02-19. Review status: no assertion criteria provided. Collection method: literature only. Allele origin: germline. Not counted in ClinVar's aggregate classification.

OMIM
Classification: Pathogenic for AMEGAKARYOCYTIC THROMBOCYTOPENIA, CONGENITAL, 2. Last evaluated: 2025-02-19. Review status: no assertion criteria provided. Collection method: literature only. Allele origin: germline. Not counted in ClinVar's aggregate classification.

Literature cited by the submitters: PubMed 28559357 (cited by Labcorp Genetics (formerly Invitae), Labcorp and OMIM); PubMed 32150607 (cited by Labcorp Genetics (formerly Invitae), Labcorp and OMIM).

NM_000460.4(THPO):c.295C>T (p.Arg99Trp)

Gene: THPO (thrombopoietin; minus strand). Cytogenetic location: 3q27.1.
Variant type: single nucleotide variant.
Coding change: c.295C>T on transcript NM_000460.4 (MANE Select); coding-DNA position 295, C replaced by T.
Protein change: p.Arg99Trp; replaces arginine 99 with tryptophan.
Molecular consequence: missense variant.
Genome position (GRCh38, 1-based): chr3:184,373,516, G>A on the plus strand (C>T on the coding strand, the complement: THPO is on the minus strand). VCF-style: chr3-184373516-G-A. GRCh37 (hg19) VCF-style: chr3-184091304-G-A.
Other names: c.295C>T, p.Arg99Trp (NM_001177597.2, NM_001177598.2, NM_001289997.1 and 5 more transcripts); c.715C>T, p.Arg239Trp (NM_001290003.1); c.469C>T (NM_000460.4); short protein forms R99W, R239W.
Identifiers: ClinVar variation 2070998 (VCV002070998.6), dbSNP rs1273225808, ClinGen allele CA355462815.